The following is an entry in ClinVar:

ClinVar aggregate classification (germline): Uncertain significance (1 of 4 stars; one submission).

Conditions:
LAMA2-related muscular dystrophy (LAMA2-RD). Also called: Laminin alpha 2-related dystrophy. Identifiers: MedGen C5679788, MONDO:0100228.

Allele frequency attached by ClinVar (database versions not stated): gnomAD exomes below 0.00001.
gnomAD v4.1: 2 of 1,607,802 alleles (0.00012%); no homozygotes.

Submission:

Labcorp Genetics (formerly Invitae), Labcorp
Classification: Uncertain significance for LAMA2-related muscular dystrophy. Last evaluated: 2021-08-27. Review status: criteria provided, single submitter. Criteria: Invitae Variant Classification Sherloc (09022015). Collection method: clinical testing. Allele origin: germline.
Comment: This sequence change replaces isoleucine with methionine at codon 2449 of the LAMA2 protein (p.Ile2449Met). The isoleucine residue is weakly conserved and there is a small physicochemical difference between isoleucine and methionine. This variant is not present in population databases (ExAC no frequency). This variant has not been reported in the literature in individuals affected with LAMA2-related conditions. Algorithms developed to predict the effect of missense changes on protein structure and function output the following: SIFT: "Tolerated"; PolyPhen-2: "Benign"; Align-GVGD: "Class C0". The methionine amino acid residue is found in multiple mammalian species, which suggests that this missense change does not adversely affect protein function. In summary, the available evidence is currently insufficient to determine the role of this variant in disease. Therefore, it has been classified as a Variant of Uncertain Significance.

NM_000426.4(LAMA2):c.7347A>G (p.Ile2449Met)

Gene: LAMA2 (laminin subunit alpha 2; plus strand). Cytogenetic location: 6q22.33.
Variant type: single nucleotide variant.
Coding change: c.7347A>G on transcript NM_000426.4 (MANE Select); coding-DNA position 7347, A replaced by G.
Protein change: p.Ile2449Met; replaces isoleucine 2449 with methionine.
Molecular consequence: missense variant.
Genome position (GRCh38, 1-based): chr6:129,473,260, A>G. VCF-style: chr6-129473260-A-G. GRCh37 (hg19) VCF-style: chr6-129794405-A-G.
Other names: c.7347A>G, p.Ile2449Met (NM_001079823.2); short protein forms I2449M.
Identifiers: ClinVar variation 2198458 (VCV002198458.1), dbSNP rs1231117669, ClinGen allele CA365624247.